The following is an entry in ClinVar:

ClinVar aggregate classification (germline): Benign/Likely benign. Review status: criteria provided, multiple submitters, no conflicts (2 of 4 stars). 9 submissions from 9 submitters: Benign (4); Likely benign (5). Last evaluated 2026-01-28.

Conditions:
Early-infantile DEE. Also called: Early infantile epileptic encephalopathy with suppression bursts; Early infantile epileptic encephalopathy; Ohtahara syndrome. Identifiers: Orphanet 1934, MedGen C0393706, MONDO:0800491.
Inborn genetic diseases. Identifiers: MedGen C0950123, MeSH D030342.
Developmental and epileptic encephalopathy, 5 (DEE5). Identifiers: Orphanet 3451, MedGen C3150731, MONDO:0013277, OMIM 613477.

Allele frequency attached by ClinVar (database versions not stated): gnomAD exomes 0.00065; ExAC 0.00081; 1000 Genomes Project 0.00220; gnomAD 0.00234 and 0.00257; 1000 Genomes Project 30x 0.00250; TOPMed 0.00267; ESP Exome Variant Server 0.00300.
gnomAD v4.1: 686 of 1,614,166 alleles (0.042%); highest among the groups gnomAD compares: African/African-American, 0.85%; 4 homozygotes.

Submissions (9):

Labcorp Genetics (formerly Invitae), Labcorp
Classification: Benign for Early-infantile DEE. Last evaluated: 2026-01-28. Review status: criteria provided, single submitter. Criteria: Invitae Variant Classification Sherloc (09022015). Collection method: clinical testing. Allele origin: germline.

ARUP Laboratories, Molecular Genetics and Genomics, ARUP Laboratories
Classification: Benign. Last evaluated: 2025-04-16. Review status: criteria provided, single submitter. Criteria: ARUP Molecular Germline Variant Investigation Process 2024. Collection method: clinical testing. Allele origin: germline.

Blueprint Genetics
Classification: Likely benign. Last evaluated: 2024-07-05. Review status: criteria provided, single submitter. Criteria: ACMG Guidelines, 2015. Collection method: clinical testing. Allele origin: germline.

Genome-Nilou Lab
Classification: Benign for Developmental and epileptic encephalopathy, 5. Last evaluated: 2021-07-15. Review status: criteria provided, single submitter. Criteria: ACMG Guidelines, 2015. Collection method: clinical testing. Allele origin: germline. Affected: no.

Fulgent Genetics
Classification: Likely benign for Developmental and epileptic encephalopathy, 5. Last evaluated: 2021-07-07. Review status: criteria provided, single submitter. Criteria: ACMG Guidelines, 2015. Collection method: clinical testing. Allele origin: unknown.

Ambry Genetics
Classification: Likely benign for Inborn genetic diseases. Last evaluated: 2016-03-21. Review status: criteria provided, single submitter. Criteria: Ambry Variant Classification Scheme 2023. Collection method: clinical testing. Allele origin: germline.

Eurofins Ntd Llc (ga)
Classification: Likely benign. Last evaluated: 2014-05-07. Review status: criteria provided, single submitter. Criteria: EGL Classification Definitions 2015. Collection method: clinical testing. Allele origin: germline. Observed: 1 variant allele, 1 heterozygote.

GeneDx
Classification: Benign. Last evaluated: 2014-01-24. Review status: criteria provided, single submitter. Criteria: GeneDx Variant Classification (06012015). Collection method: clinical testing. Allele origin: germline. Affected: yes.
Comment: This variant is considered likely benign or benign based on one or more of the following criteria: it is a conservative change, it occurs at a poorly conserved position in the protein, it is predicted to be benign by multiple in silico algorithms, and/or has population frequency not consistent with disease.

Breakthrough Genomics
Classification: Likely benign. Review status: criteria provided, single submitter. Criteria: ACMG Guidelines, 2015. Collection method: not provided. Allele origin: germline. Inheritance: Autosomal dominant inheritance. Affected: yes.

NM_001130438.3(SPTAN1):c.774G>A (p.Gln258=)

Gene: SPTAN1 (spectrin alpha, non-erythrocytic 1; plus strand). Cytogenetic location: 9q34.11.
Variant type: single nucleotide variant.
Coding change: c.774G>A on transcript NM_001130438.3 (MANE Select); coding-DNA position 774, G replaced by A.
Protein change: p.Gln258=; no amino-acid change (glutamine 258 retained).
Molecular consequence: synonymous variant.
Genome position (GRCh38, 1-based): chr9:128,576,945, G>A. VCF-style: chr9-128576945-G-A. GRCh37 (hg19) VCF-style: chr9-131339224-G-A.
Other names: p.Q258Q:CAG>CAA; c.774G>A, p.Gln258= (NM_001195532.2, NM_001363759.2, NM_001363765.2 and 1 more transcripts).
Identifiers: ClinVar variation 139265 (VCV000139265.27), dbSNP rs138609094, ClinGen allele CA303039.